The following is an entry in ClinVar:

NM_001370259.2(MEN1):c.1795A>G (p.Thr599Ala)

Gene: MEN1 (menin 1; minus strand). Cytogenetic location: 11q13.1.
Variant type: single nucleotide variant.
Coding change: c.1795A>G on transcript NM_001370259.2 (MANE Select); coding-DNA position 1795, A replaced by G.
Protein change: p.Thr599Ala; replaces threonine 599 with alanine.
Molecular consequence: missense variant.
Genome position (GRCh38, 1-based): chr11:64,804,372, T>C on the plus strand (A>G on the coding strand, the complement: MEN1 is on the minus strand). VCF-style: chr11-64804372-T-C. GRCh37 (hg19) VCF-style: chr11-64571844-T-C.
Other names: c.1810A>G, p.Thr604Ala (NM_000244.4, NM_130800.3, NM_130801.3 and 3 more transcripts); c.1921A>G, p.Thr641Ala (NM_001370251.2); c.1795A>G, p.Thr599Ala (NM_001370260.2, NM_001370261.2, NM_130799.3); c.1690A>G, p.Thr564Ala (NM_001370262.2, NM_001370263.2); c.1795A>G (NM_130799.2); short protein forms T564A, T599A, T604A, T641A.
Identifiers: ClinVar variation 1008251 (VCV001008251.10), dbSNP rs1941487702, ClinGen allele CA381177210.

ClinVar aggregate classification (germline): Uncertain significance. Review status: criteria provided, multiple submitters, no conflicts (2 of 4 stars). 2 submissions from 2 submitters: Uncertain significance (2). Last evaluated 2024-02-29.

Conditions:
Multiple endocrine neoplasia, type 1 (MEN1). Also called: Endocrine adenomatosis multiple; MEN 1; MEN I; WERMER SYNDROME; MEA I. Identifiers: Orphanet 652, MedGen C0025267, MeSH D018761, MONDO:0007540, OMIM 131100.

Submissions (2):

Baylor Genetics
Classification: Uncertain significance for Multiple Endocrine Neoplasia Type 1. Last evaluated: 2024-02-29. Review status: criteria provided, single submitter. Criteria: ACMG Guidelines, 2015. Collection method: clinical testing. Allele origin: unknown.

Labcorp Genetics (formerly Invitae), Labcorp
Classification: Uncertain significance for Multiple endocrine neoplasia, type 1. Last evaluated: 2020-01-31. Review status: criteria provided, single submitter. Criteria: Invitae Variant Classification Sherloc (09022015). Collection method: clinical testing. Allele origin: germline.
Comment: Algorithms developed to predict the effect of missense changes on protein structure and function (SIFT, PolyPhen-2, Align-GVGD) all suggest that this variant is likely to be tolerated, but these predictions have not been confirmed by published functional studies and their clinical significance is uncertain. In summary, the available evidence is currently insufficient to determine the role of this variant in disease. Therefore, it has been classified as a Variant of Uncertain Significance. This variant has not been reported in the literature in individuals with MEN1-related conditions. This sequence change replaces threonine with alanine at codon 599 of the MEN1 protein (p.Thr599Ala). The threonine residue is moderately conserved and there is a small physicochemical difference between threonine and alanine. This variant is not present in population databases (ExAC no frequency).